The following is an entry in ClinVar:

ClinVar aggregate classification (germline): Uncertain significance (1 of 4 stars; one submission).

Allele frequency attached by ClinVar (database versions not stated): gnomAD exomes below 0.00001; gnomAD 0.00001; TOPMed 0.00001.
gnomAD v4.1: 9 of 1,570,790 alleles (0.00057%); highest among the groups gnomAD compares: Non-Finnish European, 0.0006%; no homozygotes.

Submission:

Labcorp Genetics (formerly Invitae), Labcorp
Classification: Uncertain significance. Last evaluated: 2025-05-18. Review status: criteria provided, single submitter. Criteria: Invitae Variant Classification Sherloc (09022015). Collection method: clinical testing. Allele origin: germline.
Comment: This sequence change falls in intron 2 of the CSF2RB gene. It does not directly change the encoded amino acid sequence of the CSF2RB protein. It affects a nucleotide within the consensus splice site. This variant is not present in population databases (gnomAD no frequency). This variant has not been reported in the literature in individuals affected with CSF2RB-related conditions. ClinVar contains an entry for this variant (Variation ID: 1498578). Variants that disrupt the consensus splice site are a relatively common cause of aberrant splicing (PMID: 17576681, 9536098). Algorithms developed to predict the effect of sequence changes on RNA splicing suggest that this variant may disrupt the consensus splice site. In summary, the available evidence is currently insufficient to determine the role of this variant in disease. Therefore, it has been classified as a Variant of Uncertain Significance.

Literature cited by the submitters: PubMed 17576681; PubMed 9536098.

NM_000395.3(CSF2RB):c.76+4A>G

Gene: CSF2RB (colony stimulating factor 2 receptor subunit beta; plus strand). Cytogenetic location: 22q12.3.
Variant type: single nucleotide variant.
Coding change: c.76+4A>G on transcript NM_000395.3 (MANE Select); 4 bases into the intron after coding-DNA position 76, A replaced by G.
Molecular consequence: intron variant.
Genome position (GRCh38, 1-based): chr22:36,922,287, A>G. VCF-style: chr22-36922287-A-G. GRCh37 (hg19) VCF-style: chr22-37318329-A-G.
Identifiers: ClinVar variation 1498578 (VCV001498578.6), dbSNP rs1940894011, ClinGen allele CA639156570.